The following is an entry in ClinVar:

ClinVar aggregate classification (germline): Uncertain significance (1 of 4 stars; one submission).

Conditions:
Ehlers-Danlos syndrome, classic type, 1 (EDSCL1). Also called: EHLERS-DANLOS SYNDROME, GRAVIS TYPE; EHLERS-DANLOS SYNDROME, SEVERE CLASSIC TYPE; Ehlers-Danlos syndrome, type 1; Ehlers-Danlos Syndrome, Classic Type, COL5A1-Related; EDS I. Identifiers: MedGen C0268335, MONDO:0019567, OMIM 130000.

gnomAD v4.1: 1 of 1,613,890 alleles (0.000062%); highest among the groups gnomAD compares: Non-Finnish European, 0.000085%; no homozygotes.

Submission:

Labcorp Genetics (formerly Invitae), Labcorp
Classification: Uncertain significance for Ehlers-Danlos syndrome, classic type, 1. Last evaluated: 2021-04-10. Review status: criteria provided, single submitter. Criteria: Invitae Variant Classification Sherloc (09022015). Collection method: clinical testing. Allele origin: germline.
Comment: In summary, the available evidence is currently insufficient to determine the role of this variant in disease. Therefore, it has been classified as a Variant of Uncertain Significance. Advanced modeling of protein sequence and biophysical properties (such as structural, functional, and spatial information, amino acid conservation, physicochemical variation, residue mobility, and thermodynamic stability) performed at Invitae indicates that this missense variant is not expected to disrupt COL5A2 protein function. This variant has not been reported in the literature in individuals with COL5A2-related conditions. This variant is not present in population databases (ExAC no frequency). This sequence change replaces isoleucine with lysine at codon 782 of the COL5A2 protein (p.Ile782Lys). The isoleucine residue is moderately conserved and there is a moderate physicochemical difference between isoleucine and lysine.

NM_000393.5(COL5A2):c.2345T>A (p.Ile782Lys)

Gene: COL5A2 (collagen type V alpha 2 chain; minus strand). Cytogenetic location: 2q32.2.
Variant type: single nucleotide variant.
Coding change: c.2345T>A on transcript NM_000393.5 (MANE Select); coding-DNA position 2345, T replaced by A.
Protein change: p.Ile782Lys; replaces isoleucine 782 with lysine.
Molecular consequence: missense variant.
Genome position (GRCh38, 1-based): chr2:189,057,019, A>T on the plus strand (T>A on the coding strand, the complement: COL5A2 is on the minus strand). VCF-style: chr2-189057019-A-T. GRCh37 (hg19) VCF-style: chr2-189921745-A-T.
Other names: short protein forms I782K.
Identifiers: ClinVar variation 1407424 (VCV001407424.8), dbSNP rs1198104925, ClinGen allele CA349873637.
Genomic context (GRCh38, chr2:189,057,019, plus strand): 5'-ATACTTTCACTTACTCTTGCACCATCATTTCCAGCTGTGCCTTCAGCACCTTTTTCTCCT[A>T]TGCCACCCTGGGAAAACACACAAAATACAATTGATTCATTTAATTGTCTCTTTCCCACAC-3'
Protein context (NP_000384.2, residues 772-792): TPGPKGDRGG[Ile782Lys]GEKGAEGTAG